The following is an entry in ClinVar:

ClinVar aggregate classification (germline): Uncertain significance (1 of 4 stars; one submission).

Conditions:
Familial thoracic aortic aneurysm and aortic dissection (TAAD). Also called: Thoracic aortic aneurysms and dissections. Identifiers: Orphanet 91387, MedGen C4707243, MONDO:0019625.

gnomAD v4.1: 2 of 1,613,766 alleles (0.00012%); highest among the groups gnomAD compares: African/African-American, 0.0027%; no homozygotes.

Submission:

Ambry Genetics
Classification: Uncertain significance for Familial thoracic aortic aneurysm and aortic dissection. Last evaluated: 2026-05-14. Review status: criteria provided, single submitter. Criteria: Ambry Variant Classification Scheme 2023. Collection method: clinical testing. Allele origin: germline.
Comment: The p.P1617H variant (also known as c.4850C>A), located in coding exon 37 of the FBN2 gene, results from a C to A substitution at nucleotide position 4850. The proline at codon 1617 is replaced by histidine, an amino acid with similar properties. This amino acid position is conserved. In addition, this alteration is predicted to be deleterious by in silico analysis. Based on the available evidence, the clinical significance of this variant remains unclear.

NM_001999.4(FBN2):c.4850C>A (p.Pro1617His)

Gene: FBN2 (fibrillin 2; minus strand). Cytogenetic location: 5q23.3.
Variant type: single nucleotide variant.
Coding change: c.4850C>A on transcript NM_001999.4 (MANE Select); coding-DNA position 4850, C replaced by A.
Protein change: p.Pro1617His; replaces proline 1617 with histidine.
Molecular consequence: missense variant.
Genome position (GRCh38, 1-based): chr5:128,312,663, G>T on the plus strand (C>A on the coding strand, the complement: FBN2 is on the minus strand). VCF-style: chr5-128312663-G-T. GRCh37 (hg19) VCF-style: chr5-127648355-G-T.
Other names: short protein forms P1617H.
Identifiers: ClinVar variation 4871259 (VCV004871259.1).